The following is an entry in ClinVar:

ClinVar aggregate classification (germline): Likely benign. Review status: criteria provided, multiple submitters, no conflicts (2 of 4 stars). 2 submissions from 2 submitters: Likely benign (2). Last evaluated 2025-09-01.

Conditions:
Hereditary cancer-predisposing syndrome. Also called: Hereditary neoplastic syndrome; Neoplastic Syndromes, Hereditary; Tumor predisposition; Hereditary Cancer Syndrome. Identifiers: Orphanet 140162, MedGen C0027672, MeSH D009386, MONDO:0015356.

gnomAD v4.1: 2 of 1,614,196 alleles (0.00012%); highest among the groups gnomAD compares: South Asian, 0.0022%; no homozygotes.

Submissions (2):

CeGaT Center for Human Genetics Tuebingen
Classification: Likely benign. Last evaluated: 2025-09-01. Review status: criteria provided, single submitter. Criteria: CeGaT Center For Human Genetics Tuebingen Variant Classification Criteria Version 2. Collection method: clinical testing. Allele origin: germline. Affected: yes. Observed: 1 variant allele.
Comment: SUFU: BP4, BP7

Ambry Genetics
Classification: Likely benign for Hereditary cancer-predisposing syndrome. Last evaluated: 2020-01-24. Review status: criteria provided, single submitter. Criteria: Ambry Variant Classification Scheme 2023. Collection method: clinical testing. Allele origin: germline.

NM_016169.4(SUFU):c.252C>T (p.Ile84=)

Gene: SUFU (SUFU negative regulator of hedgehog signaling; plus strand). Cytogenetic location: 10q24.32.
Variant type: single nucleotide variant.
Coding change: c.252C>T on transcript NM_016169.4 (MANE Select); coding-DNA position 252, C replaced by T.
Protein change: p.Ile84=; no amino-acid change (isoleucine 84 retained).
Molecular consequence: synonymous variant.
Genome position (GRCh38, 1-based): chr10:102,509,238, C>T. VCF-style: chr10-102509238-C-T. GRCh37 (hg19) VCF-style: chr10-104268995-C-T.
Other names: c.252C>T, p.Ile84= (NM_001178133.2).
Identifiers: ClinVar variation 1792665 (VCV001792665.9), dbSNP rs1437282528, ClinGen allele CA471305366.